The following is an entry in ClinVar:

NM_001130004.2(ACTN1):c.2612G>A (p.Arg871His)

Gene: ACTN1 (actinin alpha 1; minus strand). Cytogenetic location: 14q24.1.
Variant type: single nucleotide variant.
Coding change: c.2612G>A on transcript NM_001130004.2 (MANE Select); coding-DNA position 2612, G replaced by A.
Protein change: p.Arg871His; replaces arginine 871 with histidine.
Molecular consequence: missense variant.
Genome position (GRCh38, 1-based): chr14:68,874,992, C>T on the plus strand (G>A on the coding strand, the complement: ACTN1 is on the minus strand). VCF-style: chr14-68874992-C-T. GRCh37 (hg19) VCF-style: chr14-69341709-C-T.
Other names: c.2546G>A, p.Arg849His (NM_001102.4); c.2531G>A, p.Arg844His (NM_001130005.2); short protein forms R871H, R844H, R849H.
Identifiers: ClinVar variation 426733 (VCV000426733.10), dbSNP rs371440985, ClinGen allele CA7241905.

ClinVar aggregate classification (germline): Conflicting classifications of pathogenicity. Review status: criteria provided, conflicting classifications (1 of 4 stars). 4 submissions from 4 submitters: Uncertain significance (2); Likely benign (1). 1 of the submissions does not count toward it. Last evaluated 2026-01-20.

Conditions:
ACTN1-related disorder. Also called: ACTN1-related condition.

Allele frequency attached by ClinVar (database versions not stated): gnomAD exomes 0.00003 and 0.00008; ExAC 0.00009; ESP Exome Variant Server 0.00023; TOPMed 0.00023; gnomAD 0.00025 and 0.00026; 1000 Genomes Project 30x 0.00047; 1000 Genomes Project 0.00060.
gnomAD v4.1: 75 of 1,613,584 alleles (0.0046%); highest among the groups gnomAD compares: African/African-American, 0.083%; no homozygotes.

Submissions (4):

Labcorp Genetics (formerly Invitae), Labcorp
Classification: Likely benign. Last evaluated: 2026-01-20. Review status: criteria provided, single submitter. Criteria: Invitae Variant Classification Sherloc (09022015). Collection method: clinical testing. Allele origin: germline.

GeneDx
Classification: Uncertain significance. Last evaluated: 2017-04-06. Review status: criteria provided, single submitter. Criteria: GeneDx Variant Classification (06012015). Collection method: clinical testing. Allele origin: germline. Affected: yes.
Comment: The R871H variant in the ACTN1 gene has not been reported previously as a germline pathogenic variant, nor as a benign variant, to our knowledge. The R871H variant is observed in 9/9776 (0.09%) alleles from individuals of African background in the ExAC dataset (Lek et al., 2016; 1000 Genomes Consortium et al., 2015; Exome Variant Server). The R871H variant is a conservative amino acid substitution, which is not likely to impact secondary protein structure as these residues share similar properties. However, this substitution occurs at a position that is conserved across species, and in silico analysis predicts this variant is probably damaging to the protein structure/function. We interpret R871H as a variant of uncertain significance.

Breakthrough Genomics
Classification: Uncertain significance. Review status: criteria provided, single submitter. Criteria: ACMG Guidelines, 2015. Collection method: not provided. Allele origin: germline. Inheritance: Autosomal dominant inheritance. Affected: yes.

PreventionGenetics, part of Exact Sciences
Classification: Likely benign for ACTN1-related condition. Last evaluated: 2022-04-13. Review status: no assertion criteria provided. Collection method: clinical testing. Allele origin: germline. Not counted in ClinVar's aggregate classification.
Comment: This variant is classified as likely benign based on ACMG/AMP sequence variant interpretation guidelines (Richards et al. 2015 PMID: 25741868, with internal and published modifications).